The following is an entry in ClinVar:

ClinVar aggregate classification (oncogenicity): Oncogenic (1 of 4 stars; one submission).

Conditions:
Acute myeloid leukemia (AML). Also called: Acute myeloid leukemia, adult; AML adult; Acute non-lymphocytic leukemia; Acute granulocytic leukemia; Leukemia, acute myeloid, somatic; Leukemia, acute myelogenous, somatic. Identifiers: Orphanet 519, MedGen C0023467, MeSH D015470, MONDO:0018874, OMIM 601626, HP:0004808. Disease mechanism: Constitutively activated FLT3.

Submission:

Microbiology and Molecular Biology Lab, Lahore College for Women University
Classification: Oncogenic for Acute myeloid leukemia. Last evaluated: 2025-10-12. Review status: criteria provided, single submitter. Criteria: Assertion Criteria 1.0. Collection method: research. Allele origin: somatic. Affected: yes.
Comment: NRAS Transcript: NM_002524.5 cDNA Change: c.44G>T Protein Change: p.G15V Mutation Type: Missense synonymous mutation in exon 2, within the GTPase domain and responsible to encode P-loop Genomic Location (GRCh38): chr1:114,716,116G>T Oncogenicity: Oncogenic NRAS c.44G>T (p.G15V) is an oncogenic, somatic mutation which is not previously reported in databases such as COSMIC and ClinVar. No approved NRAS-targeted therapies currently exist for this mutation. It may influence prognosis and inform eligibility for clinical trials targeting downstream pathways.

NM_002524.5(NRAS):c.44G>T (p.Gly15Val)

Gene: NRAS (NRAS proto-oncogene, GTPase; minus strand). Cytogenetic location: 1p13.2.
Variant type: single nucleotide variant.
Coding change: c.44G>T on transcript NM_002524.5 (MANE Select); coding-DNA position 44, G replaced by T.
Protein change: p.Gly15Val; replaces glycine 15 with valine.
Molecular consequence: missense variant.
Genome position (GRCh38, 1-based): chr1:114,716,117, C>A on the plus strand (G>T on the coding strand, the complement: NRAS is on the minus strand). VCF-style: chr1-114716117-C-A. GRCh37 (hg19) VCF-style: chr1-115258738-C-A.
Other names: short protein forms G15V.
Identifiers: ClinVar variation 4756115 (VCV004756115.1).
Genomic context (GRCh38, chr1:114,716,117, plus strand): 5'-GTGGGATCATATTCATCTACAAAGTGGTTCTGGATTAGCTGGATTGTCAGTGCGCTTTTC[C>A]CAACACCACCTGCTCCAACCACCACCAGTTTGTACTCAGTCATTTCACACCAGCAAGAAC-3'
Protein context (NP_002515.1, residues 5-25): KLVVVGAGGV[Gly15Val]KSALTIQLIQ